The following is an entry in ClinVar:

ClinVar aggregate classification (germline): Uncertain significance (1 of 4 stars; one submission).

Conditions:
Cardiovascular phenotype. Identifiers: MedGen CN230736.

Submission:

Ambry Genetics
Classification: Uncertain significance for Cardiovascular phenotype. Last evaluated: 2012-11-26. Review status: criteria provided, single submitter. Criteria: Ambry Autosomal Dominant and X-Linked criteria (10/2015). Collection method: clinical testing. Allele origin: germline. Observed: 1 variant allele.
Comment: There is insufficient or conflicting evidence for classification of this alteration.

NM_001267550.2(TTN):c.94655_94657del (p.Gly31552del)

Genes: TTN (titin; minus strand), TTN-AS1 (TTN antisense RNA 1; plus strand). Cytogenetic location: 2q31.2.
Variant type: Deletion.
Coding change: c.94655_94657del on transcript NM_001267550.2 (MANE Select); coding-DNA positions 94655 to 94657, 3 bases deleted (GAG; older notation c.94655_94657delGAG).
Protein change: p.Gly31552del; deletes glycine 31552.
Molecular consequence: inframe deletion.
Genome position (GRCh38, 1-based): chr2:178,546,771-178,546,773, CTC deleted on the plus strand (GAG on the coding strand, the reverse complement: TTN is on the minus strand); deleting any 3 consecutive bases within chr2:178,546,771-178,546,775 gives the same sequence; the c. name uses the placement nearest the transcript's 3' end. VCF-style (leftmost placement, unchanged base first): chr2-178546770-TCTC-T. GRCh37 (hg19) VCF-style: chr2-179411497-TCTC-T.
Other names: c.89732_89734del, p.Gly29911del (NM_001256850.1); c.67460_67462del, p.Gly22487del (NM_003319.4); c.86951_86953del, p.Gly28984del (NM_133378.4); c.67835_67837del, p.Gly22612del (NM_133432.3); c.68036_68038del, p.Gly22679del (NM_133437.4); short protein forms G28984del, G31552del, G22487del, G22679del, G29911del, G22612del.
Identifiers: ClinVar variation 263445 (VCV000263445.3), dbSNP rs886038807, ClinGen allele CA10587451.